The following is an entry in ClinVar:

ClinVar aggregate classification (germline): Pathogenic (1 of 4 stars; one submission).

Conditions:
Osteogenesis imperfecta type I (OI1). Also called: OI, TYPE I; OSTEOGENESIS IMPERFECTA TARDA; OSTEOGENESIS IMPERFECTA WITH BLUE SCLERAE; Lobstein disease; Osteogenesis imperfecta type 1; Lobstein's Disease. Identifiers: Orphanet 216796, Orphanet 666, MedGen C0023931, MONDO:0008146, OMIM 166200. Disease mechanism: loss of function.

Submission:

Labcorp Genetics (formerly Invitae), Labcorp
Classification: Pathogenic for Osteogenesis imperfecta type I. Last evaluated: 2020-10-19. Review status: criteria provided, single submitter. Criteria: Invitae Variant Classification Sherloc (09022015). Collection method: clinical testing. Allele origin: germline.
Comment: For these reasons, this variant has been classified as Pathogenic. Loss-of-function variants in COL1A1 are known to be pathogenic (PMID: 7942841, 9295084, 9443882). This variant has not been reported in the literature in individuals with COL1A1-related conditions. This variant is not present in population databases (ExAC no frequency). This sequence change creates a premature translational stop signal (p.Pro1018Leufs*90) in the COL1A1 gene. It is expected to result in an absent or disrupted protein product.

Literature cited by the submitters: PubMed 7942841; PubMed 9295084; PubMed 9443882.

NM_000088.4(COL1A1):c.3051del (p.Pro1018fs)

Gene: COL1A1 (collagen type I alpha 1 chain; minus strand). Cytogenetic location: 17q21.33.
Variant type: Deletion.
Coding change: c.3051del on transcript NM_000088.4 (MANE Select); coding-DNA position 3051, one base deleted (T; older notation c.3051delT).
Protein change: p.Pro1018fs; shifts the reading frame from proline 1018.
Molecular consequence: frameshift variant.
Genome position (GRCh38, 1-based): chr17:50,188,790, A deleted on the plus strand (T on the coding strand, the reverse complement: COL1A1 is on the minus strand). VCF-style (leftmost placement, unchanged base first): chr17-50188789-GA-G. GRCh37 (hg19) VCF-style: chr17-48266150-GA-G.
Other names: short protein forms P1018fs.
Identifiers: ClinVar variation 1070818 (VCV001070818.7), dbSNP rs2144546898, ClinGen allele CA2499224717.